The following is an entry in ClinVar:

ClinVar aggregate classification (germline): Uncertain significance (1 of 4 stars; one submission).

Allele frequency attached by ClinVar (database versions not stated): ExAC 0.00001; gnomAD 0.00002; TOPMed 0.00003; gnomAD exomes 0.00004; ESP Exome Variant Server 0.00008.
gnomAD v4.1: 27 of 1,613,994 alleles (0.0017%); highest among the groups gnomAD compares: Non-Finnish European, 0.0023%; no homozygotes.

Submission:

Labcorp Genetics (formerly Invitae), Labcorp
Classification: Uncertain significance. Last evaluated: 2025-05-14. Review status: criteria provided, single submitter. Criteria: Invitae Variant Classification Sherloc (09022015). Collection method: clinical testing. Allele origin: germline.
Comment: This sequence change replaces methionine, which is neutral and non-polar, with threonine, which is neutral and polar, at codon 663 of the EIF2B5 protein (p.Met663Thr). This variant is present in population databases (rs370561398, gnomAD 0.002%). This variant has not been reported in the literature in individuals affected with EIF2B5-related conditions. ClinVar contains an entry for this variant (Variation ID: 1958561). Invitae Evidence Modeling of protein sequence and biophysical properties (such as structural, functional, and spatial information, amino acid conservation, physicochemical variation, residue mobility, and thermodynamic stability) indicates that this missense variant is not expected to disrupt EIF2B5 protein function with a negative predictive value of 80%. In summary, the available evidence is currently insufficient to determine the role of this variant in disease. Therefore, it has been classified as a Variant of Uncertain Significance.

NM_003907.3(EIF2B5):c.1988T>C (p.Met663Thr)

Gene: EIF2B5 (eukaryotic translation initiation factor 2B subunit epsilon; plus strand). Cytogenetic location: 3q27.1.
Variant type: single nucleotide variant.
Coding change: c.1988T>C on transcript NM_003907.3 (MANE Select); coding-DNA position 1988, T replaced by C.
Protein change: p.Met663Thr; replaces methionine 663 with threonine.
Molecular consequence: missense variant.
Genome position (GRCh38, 1-based): chr3:184,144,217, T>C. VCF-style: chr3-184144217-T-C. GRCh37 (hg19) VCF-style: chr3-183862005-T-C.
Other names: short protein forms M663T.
Identifiers: ClinVar variation 1958561 (VCV001958561.5), dbSNP rs370561398, ClinGen allele CA2726859.
Genomic context (GRCh38, chr3:184,144,217, plus strand): 5'-TGGAAGCGTTAGCAGCCATTGAGGACTTCTTCCTAGAGCATGAAGCTCTTGGTATTTCCA[T>C]GGCCAAGGTGAATATGACCTCAAGCCCCATTCTTCTGCACTTGCTTTCAAACGAGGGTTG-3'
Protein context (NP_003898.2, residues 653-673): FLEHEALGIS[Met663Thr]AKVLMAFYQL